The following is an entry in ClinVar:

ClinVar aggregate classification (germline): Uncertain significance (1 of 4 stars; one submission).

Conditions:
DNAH5-related disorder. Also called: DNAH5-related condition.

Submission:

PreventionGenetics, part of Exact Sciences
Classification: Uncertain significance for DNAH5-related condition. Last evaluated: 2024-11-20. Review status: criteria provided, single submitter. Criteria: ACMG Guidelines, 2015. Collection method: clinical testing. Allele origin: germline.
Comment: The DNAH5 c.8156G>C variant is predicted to result in the amino acid substitution p.Arg2719Thr. To our knowledge, this variant has not been reported in the literature or in a large population database (gnomAD), indicating this variant is rare. At this time, the clinical significance of this variant is uncertain due to the absence of conclusive functional and genetic evidence.

NM_001369.3(DNAH5):c.8156G>C (p.Arg2719Thr)

Gene: DNAH5 (dynein axonemal heavy chain 5; minus strand). Cytogenetic location: 5p15.2.
Variant type: single nucleotide variant.
Coding change: c.8156G>C on transcript NM_001369.3 (MANE Select); coding-DNA position 8156, G replaced by C.
Protein change: p.Arg2719Thr; replaces arginine 2719 with threonine.
Molecular consequence: missense variant.
Genome position (GRCh38, 1-based): chr5:13,793,583, C>G on the plus strand (G>C on the coding strand, the complement: DNAH5 is on the minus strand). VCF-style: chr5-13793583-C-G. GRCh37 (hg19) VCF-style: chr5-13793692-C-G.
Other names: short protein forms R2719T.
Identifiers: ClinVar variation 4999488 (VCV004999488.1).
Genomic context (GRCh38, chr5:13,793,583, plus strand): 5'-TTGTCCACAGAAGCTTCAGAGGGCAACGTGCAATTAAATATAGAGAACTGCCTCTTGAGT[C>G]TTTGGGGTATGTCATTGCGTCCACCACCAGGATGGATCATGGCTGCCAAAAACTGGATGT-3'
Protein context (NP_001360.1, residues 2709-2729): PGGGRNDIPQ[Arg2719Thr]LKRQFSIFNC